The following is an entry in ClinVar:

ClinVar aggregate classification (germline): Conflicting classifications of pathogenicity. Review status: criteria provided, conflicting classifications (1 of 4 stars). 3 submissions from 2 submitters: Uncertain significance (2); Likely benign (1). Last evaluated 2023-02-14.

Conditions:
Transitory neonatal diabetes mellitus. Also called: Transient neonatal diabetes mellitus. Identifiers: MedGen C0342273, MONDO:0020525, HP:0008255.
Maturity-onset diabetes of the young (MODY). Also called: Maturity onset diabetes mellitus in young. Identifiers: Orphanet 552, MedGen C0342276, MONDO:0018911, HP:0004904.

Allele frequency attached by ClinVar (database versions not stated): gnomAD exomes below 0.00001.
gnomAD v4.1: 1 of 1,614,066 alleles (0.000062%); highest among the groups gnomAD compares: Non-Finnish European, 0.000085%; no homozygotes.

Submissions (3):

Labcorp Genetics (formerly Invitae), Labcorp
Classification: Likely benign. Last evaluated: 2023-02-14. Review status: criteria provided, single submitter. Criteria: Invitae Variant Classification Sherloc (09022015). Collection method: clinical testing. Allele origin: germline.

Clinical Genomics, Uppaluri K&H Personalized Medicine Clinic
Classification: Uncertain significance for Transitory neonatal diabetes mellitus. Review status: criteria provided, single submitter. Criteria: K & H Uppaluri Personalized Medicine Clinic Variant Classification & Assertion Criteria_Updated V.1. Collection method: research. Allele origin: unknown. Inheritance: Somatic mutation.
Comment: Mutations in ABCC8 gene are associated with both neonatal diabetes mellitus as well as MODY. Patients with this mutation may have a better response to sulfonylureas. However, no sufficient evidence is found to ascertain the role of this particular variant ( rs1591885314) in neonatal diabetes yet.

Clinical Genomics, Uppaluri K&H Personalized Medicine Clinic
Classification: Uncertain significance for Maturity-onset diabetes of the young. Review status: criteria provided, single submitter. Criteria: K & H Uppaluri Personalized Medicine Clinic Variant Classification & Assertion Criteria_Updated V.1. Collection method: research. Allele origin: unknown. Inheritance: Somatic mutation.
Comment: Mutations in ABCC8 gene are associated with both neonatal diabetes mellitus as well as MODY. Patients with this mutation may have a better response to sulfonylureas. However, no sufficient evidence is found to ascertain the role of this particular variant ( rs1591885314) in MODY yet.

Literature cited by the submitters: PubMed 16885549 (cited by Clinical Genomics, Uppaluri K&H Personalized Medicine Clinic); PubMed 21989597 (cited by Clinical Genomics, Uppaluri K&H Personalized Medicine Clinic); PubMed 27538677 (cited by Clinical Genomics, Uppaluri K&H Personalized Medicine Clinic); PubMed 18981553 (cited by Clinical Genomics, Uppaluri K&H Personalized Medicine Clinic); PubMed 32027066 (cited by Clinical Genomics, Uppaluri K&H Personalized Medicine Clinic); PubMed 16613899 (cited by Clinical Genomics, Uppaluri K&H Personalized Medicine Clinic); PubMed 18025408 (cited by Clinical Genomics, Uppaluri K&H Personalized Medicine Clinic); PubMed 32792356 (cited by Clinical Genomics, Uppaluri K&H Personalized Medicine Clinic).

NM_000352.6(ABCC8):c.951A>G (p.Pro317=)

Gene: ABCC8 (ATP binding cassette subfamily C member 8; minus strand). Cytogenetic location: 11p15.1.
Variant type: single nucleotide variant.
Coding change: c.951A>G on transcript NM_000352.6 (MANE Select); coding-DNA position 951, A replaced by G.
Protein change: p.Pro317=; no amino-acid change (proline 317 retained).
Molecular consequence: synonymous variant. On other transcripts: non-coding transcript variant (1).
Genome position (GRCh38, 1-based): chr11:17,460,548, T>C on the plus strand (A>G on the coding strand, the complement: ABCC8 is on the minus strand). VCF-style: chr11-17460548-T-C. GRCh37 (hg19) VCF-style: chr11-17482095-T-C.
Other names: c.951A>G, p.Pro317= (NM_001287174.3, NM_001351295.2); c.948A>G, p.Pro316= (NM_001351296.2, NM_001351297.2).
Identifiers: ClinVar variation 794971 (VCV000794971.8), dbSNP rs1591885314, ClinGen allele CA473300537.